The following is an entry in ClinVar:

ClinVar aggregate classification (germline): Uncertain significance (1 of 4 stars; one submission).

Submission:

Greenwood Genetic Center Diagnostic Laboratories, Greenwood Genetic Center
Classification: Uncertain significance. Last evaluated: 2022-12-14. Review status: criteria provided, single submitter. Criteria: ACMG Guidelines, 2015. Collection method: clinical testing. Allele origin: germline. Affected: yes.
Comment: PM2, PP3, PP2

NM_002971.6(SATB1):c.2009C>G (p.Pro670Arg)

Gene: SATB1 (SATB homeobox 1; minus strand). Cytogenetic location: 3p24.3.
Variant type: single nucleotide variant.
Coding change: c.2009C>G on transcript NM_002971.6 (MANE Select); coding-DNA position 2009, C replaced by G.
Protein change: p.Pro670Arg; replaces proline 670 with arginine.
Molecular consequence: missense variant.
Genome position (GRCh38, 1-based): chr3:18,349,453, G>C on the plus strand (C>G on the coding strand, the complement: SATB1 is on the minus strand). VCF-style: chr3-18349453-G-C. GRCh37 (hg19) VCF-style: chr3-18390945-G-C.
Other names: c.2009C>G, p.Pro670Arg (NM_001131010.4, NM_001322872.2, NM_001322873.2 and 2 more transcripts); c.2105C>G, p.Pro702Arg (NM_001195470.3, NM_001322871.2); c.1793C>G, p.Pro598Arg (NM_001322876.2); short protein forms P598R, P670R, P702R.
Identifiers: ClinVar variation 2429028 (VCV002429028.4), dbSNP rs868379690, ClinGen allele CA351853339.
Genomic context (GRCh38, chr3:18,349,453, plus strand): 5'-ATGATGGTGTACTTGGGAAGGTCGAGCTGGGCAGACAGAGTCTGGATGGCCTCTTCGTCA[G>C]GGTACAGGCCCACGTCTTGTATGAAACTCTGGAGGATTCCCAAGGCTTCCACTGAAATTT-3'
Protein context (NP_002962.1, residues 660-680): QSFIQDVGLY[Pro670Arg]DEEAIQTLSA